The following is an entry in ClinVar:

ClinVar aggregate classification (germline): Pathogenic (1 of 4 stars; one submission).

Conditions:
Neurofibromatosis, type 1 (NF1). Also called: VON RECKLINGHAUSEN DISEASE; Neurofibromatosis, type I; NEUROFIBROMATOSIS, TYPE I, SOMATIC; Peripheral type neurofibromatosis. Identifiers: Orphanet 636, MedGen C0027831, MONDO:0018975, OMIM 162200. Disease mechanism: loss of function.

Submission:

3billion
Classification: Pathogenic for Neurofibromatosis, type 1. Last evaluated: 2025-02-03. Review status: criteria provided, single submitter. Criteria: ACMG Guidelines, 2015. Collection method: clinical testing. Allele origin: germline. Affected: yes.
Comment: The variant is not observed in the gnomAD v4.1.0 dataset. Predicted Consequence/Location: Frameshift: predicted to result in a loss or disruption of normal protein function through nonsense-mediated decay (NMD) or protein truncation. Multiple pathogenic variants are reported downstream of the variant. The variant has been reported to be associated with NF1-related disorder (3billion dataset). Therefore, this variant is classified as Pathogenic according to the recommendation of ACMG/AMP guideline.

NM_001042492.3(NF1):c.4213_4214del (p.Val1405fs)

Gene: NF1 (neurofibromin 1; plus strand). Cytogenetic location: 17q11.2.
Variant type: Deletion.
Coding change: c.4213_4214del on transcript NM_001042492.3 (MANE Select); coding-DNA positions 4213 to 4214, 2 bases deleted (GT; older notation c.4213_4214delGT).
Protein change: p.Val1405fs; shifts the reading frame from valine 1405.
Molecular consequence: frameshift variant.
Genome position (GRCh38, 1-based): chr17:31,258,383-31,258,384, GT deleted. VCF-style (leftmost placement, unchanged base first): chr17-31258382-AGT-A. GRCh37 (hg19) VCF-style: chr17-29585400-AGT-A.
Other names: c.4150_4151del, p.Val1384fs (NM_000267.4); short protein forms V1384fs, V1405fs.
Identifiers: ClinVar variation 4293631 (VCV004293631.1).